The following is an entry in ClinVar:

NM_024675.4(PALB2):c.3156T>C (p.Asp1052=)

Gene: PALB2 (partner and localizer of BRCA2; minus strand). Cytogenetic location: 16p12.2.
Variant type: single nucleotide variant.
Coding change: c.3156T>C on transcript NM_024675.4 (MANE Select); coding-DNA position 3156, T replaced by C.
Protein change: p.Asp1052=; no amino-acid change (aspartic acid 1052 retained).
Molecular consequence: synonymous variant.
Genome position (GRCh38, 1-based): chr16:23,614,049, A>G on the plus strand (T>C on the coding strand, the complement: PALB2 is on the minus strand). VCF-style: chr16-23614049-A-G. GRCh37 (hg19) VCF-style: chr16-23625370-A-G.
Identifiers: ClinVar variation 1127282 (VCV001127282.11), dbSNP rs2142299487, ClinGen allele CA494177659.

ClinVar aggregate classification (germline): Benign/Likely benign. Review status: criteria provided, multiple submitters, no conflicts (2 of 4 stars). 2 submissions from 2 submitters: Benign (1); Likely benign (1). Last evaluated 2025-01-21.

Conditions:
Familial cancer of breast. Also called: BREAST CANCER, FAMILIAL; hereditary breast carcinoma; Hereditary breast cancer. Identifiers: Orphanet 227535, MedGen C0346153, MONDO:0016419, OMIM 114480. Disease mechanism: loss of function.

Submissions (2):

Myriad Genetics, Inc.
Classification: Benign for Familial cancer of breast. Last evaluated: 2025-01-21. Review status: criteria provided, single submitter. Criteria: Myriad Autosomal Dominant, Autosomal Recessive and X-Linked Classification Criteria (2023). Collection method: clinical testing. Allele origin: unknown.
Comment: This variant is considered benign. This variant is a silent/synonymous amino acid change and it is not expected to impact splicing.

Labcorp Genetics (formerly Invitae), Labcorp
Classification: Likely benign for Familial cancer of breast. Last evaluated: 2022-02-11. Review status: criteria provided, single submitter. Criteria: Invitae Variant Classification Sherloc (09022015). Collection method: clinical testing. Allele origin: germline.